The following is an entry in ClinVar:

NM_001042492.3(NF1):c.7423_7433del (p.Thr2475fs)

Gene: NF1 (neurofibromin 1; plus strand). Cytogenetic location: 17q11.2.
Variant type: Deletion.
Coding change: c.7423_7433del on transcript NM_001042492.3 (MANE Select); coding-DNA positions 7423 to 7433, 11 bases deleted (ACATATCCCAT).
Protein change: p.Thr2475fs; shifts the reading frame from threonine 2475.
Molecular consequence: frameshift variant.
Genome position (GRCh38, 1-based): chr17:31,350,284-31,350,294, ACATATCCCAT deleted; deleting any 11 consecutive bases within chr17:31,350,282-31,350,294 gives the same sequence; the c. name uses the placement nearest the transcript's 3' end. VCF-style (leftmost placement, unchanged base first): chr17-31350281-GATACATATCCC-G. GRCh37 (hg19) VCF-style: chr17-29677299-GATACATATCCC-G.
Other names: c.7360_7370delACATATCCCAT, p.Thr2454Serfs (NM_000267.4); short protein forms T2475fs, T2454fs.
Identifiers: ClinVar variation 1388154 (VCV001388154.6), dbSNP rs2151574551, ClinGen allele CA2573153835.

ClinVar aggregate classification (germline): Pathogenic (1 of 4 stars; one submission).

Conditions:
Neurofibromatosis, type 1 (NF1). Also called: VON RECKLINGHAUSEN DISEASE; Neurofibromatosis, type I; NEUROFIBROMATOSIS, TYPE I, SOMATIC; Peripheral type neurofibromatosis. Identifiers: Orphanet 636, MedGen C0027831, MONDO:0018975, OMIM 162200. Disease mechanism: loss of function.

Submission:

Labcorp Genetics (formerly Invitae), Labcorp
Classification: Pathogenic for Neurofibromatosis, type 1. Last evaluated: 2022-02-18. Review status: criteria provided, single submitter. Criteria: Invitae Variant Classification Sherloc (09022015). Collection method: clinical testing. Allele origin: germline.
Comment: For these reasons, this variant has been classified as Pathogenic. This sequence change creates a premature translational stop signal (p.Thr2454Serfs*4) in the NF1 gene. It is expected to result in an absent or disrupted protein product. Loss-of-function variants in NF1 are known to be pathogenic (PMID: 10712197, 23913538). This variant is not present in population databases (gnomAD no frequency). This variant has not been reported in the literature in individuals affected with NF1-related conditions.

Literature cited by the submitters: PubMed 10712197; PubMed 23913538.